The following is an entry in ClinVar:

NM_001369.3(DNAH5):c.6000C>A (p.Tyr2000Ter)

Gene: DNAH5 (dynein axonemal heavy chain 5; minus strand). Cytogenetic location: 5p15.2.
Variant type: single nucleotide variant.
Coding change: c.6000C>A on transcript NM_001369.3 (MANE Select); coding-DNA position 6000, C replaced by A.
Protein change: p.Tyr2000Ter; replaces tyrosine 2000 with a stop codon.
Molecular consequence: nonsense.
Genome position (GRCh38, 1-based): chr5:13,830,658, G>T on the plus strand (C>A on the coding strand, the complement: DNAH5 is on the minus strand). VCF-style: chr5-13830658-G-T. GRCh37 (hg19) VCF-style: chr5-13830767-G-T.
Other names: short protein forms Y2000*.
Identifiers: ClinVar variation 488401 (VCV000488401.9), dbSNP rs773208371, ClinGen allele CA359202544.

ClinVar aggregate classification (germline): Pathogenic/Likely pathogenic. Review status: criteria provided, multiple submitters, no conflicts (2 of 4 stars). 4 submissions from 4 submitters: Pathogenic (2); Likely pathogenic (1). 1 of the submissions does not count toward it. Last evaluated 2024-05-08.

Conditions:
Kartagener syndrome (CILD1). Also called: CILIARY DYSKINESIA, PRIMARY, 1; CILIARY DYSKINESIA, PRIMARY, 1, WITH OR WITHOUT SITUS INVERSUS; IMMOTILE CILIA SYNDROME; POLYNESIAN BRONCHIECTASIS; SIEWERT SYNDROME; Dextrocardia bronchiectasis and sinusitis. Identifiers: Orphanet 244, MedGen C4551906, MONDO:0009484, OMIM 244400.
Primary ciliary dyskinesia. Also called: Ciliary dyskinesia. Identifiers: Orphanet 244, MedGen C0008780, MONDO:0016575, HP:0012265.
Primary ciliary dyskinesia 3. Identifiers: Orphanet 244, MedGen C1837618, MONDO:0012085, OMIM 608644.

Submissions (4):

Myriad Genetics, Inc.
Classification: Pathogenic for Primary ciliary dyskinesia 3. Last evaluated: 2024-05-08. Review status: criteria provided, single submitter. Criteria: Myriad Autosomal Dominant, Autosomal Recessive and X-Linked Classification Criteria (2023). Collection method: clinical testing. Allele origin: unknown.
Comment: NM_001369.2(DNAH5):c.6000C>A(Y2000*) is expected to be pathogenic in the context of primary ciliary dyskinesia, DNAH5-related. This variant is predicted to lead to an abnormal or absent protein product due to the creation of a premature termination codon in DNAH5, a gene where loss-of-function variants are known to be pathogenic. Please note: this variant was assessed in the context of healthy population screening.

Labcorp Genetics (formerly Invitae), Labcorp
Classification: Pathogenic for Primary ciliary dyskinesia. Last evaluated: 2023-09-26. Review status: criteria provided, single submitter. Criteria: Invitae Variant Classification Sherloc (09022015). Collection method: clinical testing. Allele origin: germline.
Comment: For these reasons, this variant has been classified as Pathogenic. Algorithms developed to predict the effect of sequence changes on RNA splicing suggest that this variant may disrupt the consensus splice site. ClinVar contains an entry for this variant (Variation ID: 488401). This premature translational stop signal has been observed in individual(s) with Kartagener Syndrome (PMID: 31443223). This variant is not present in population databases (gnomAD no frequency). This sequence change creates a premature translational stop signal (p.Tyr2000*) in the DNAH5 gene. It is expected to result in an absent or disrupted protein product. Loss-of-function variants in DNAH5 are known to be pathogenic (PMID: 11788826, 16627867).

Genetics and Molecular Pathology, SA Pathology
Classification: Likely pathogenic for Primary ciliary dyskinesia 3. Last evaluated: 2019-08-14. Review status: criteria provided, single submitter. Criteria: ACMG Guidelines, 2015. Collection method: clinical testing. Allele origin: germline. Affected: yes.

Laboratory of Cell Biology, Institute of Biomedical Sciences Abel Salazar University of Porto
Classification: Likely pathogenic for Kartagener syndrome. Last evaluated: 2017-03-13. Review status: no assertion criteria provided. Collection method: clinical testing. Allele origin: unknown. Inheritance: Autosomal recessive inheritance. Affected: yes. Observed: 1 variant allele, 1 compound heterozygote. Not counted in ClinVar's aggregate classification.
Comment: We interpret this variant as compound heterozygote, since we found another likely pathogenic heterozygous variant in the same gene, DNAH5: c.4530delG

Literature cited by the submitters: PubMed 31443223 (cited by Labcorp Genetics (formerly Invitae), Labcorp); PubMed 11788826 (cited by Labcorp Genetics (formerly Invitae), Labcorp); PubMed 16627867 (cited by Labcorp Genetics (formerly Invitae), Labcorp).